The following is an entry in ClinVar:

NM_005899.5(NBR1):c.1308C>G (p.Ala436=)

Gene: NBR1 (NBR1 autophagy cargo receptor; plus strand). Cytogenetic location: 17q21.31.
Variant type: single nucleotide variant.
Coding change: c.1308C>G on transcript NM_005899.5 (MANE Select); coding-DNA position 1308, C replaced by G.
Protein change: p.Ala436=; no amino-acid change (alanine 436 retained).
Molecular consequence: synonymous variant.
Genome position (GRCh38, 1-based): chr17:43,193,422, C>G. VCF-style: chr17-43193422-C-G. GRCh37 (hg19) VCF-style: chr17-41345439-C-G.
Other names: c.1308C>G, p.Ala436= (NM_001291571.2, NM_031862.4); c.1245C>G, p.Ala415= (NM_001291572.2).
Identifiers: ClinVar variation 2647812 (VCV002647812.24), dbSNP rs148320569, ClinGen allele CA8590396.

ClinVar aggregate classification (germline): Likely benign (1 of 4 stars; one submission).

Allele frequency attached by ClinVar (database versions not stated): 1000 Genomes Project 30x 0.00016; ESP Exome Variant Server 0.00108.
gnomAD v4.1: 1,252 of 1,613,944 alleles (0.078%); highest among the groups gnomAD compares: Middle Eastern, 0.099%; 5 homozygotes.

Submission:

CeGaT Center for Human Genetics Tuebingen
Classification: Likely benign. Last evaluated: 2023-02-01. Review status: criteria provided, single submitter. Criteria: CeGaT Center For Human Genetics Tuebingen Variant Classification Criteria Version 2. Collection method: clinical testing. Allele origin: germline. Affected: yes. Observed: 1 variant allele.
Comment: NBR1: BP4, BP7